The following is an entry in ClinVar:

NM_000075.4(CDK4):c.418G>C (p.Asp140His)

Gene: CDK4 (cyclin dependent kinase 4; minus strand). Cytogenetic location: 12q14.1.
Variant type: single nucleotide variant.
Coding change: c.418G>C on transcript NM_000075.4 (MANE Select); coding-DNA position 418, G replaced by C.
Protein change: p.Asp140His; replaces aspartic acid 140 with histidine.
Molecular consequence: missense variant.
Genome position (GRCh38, 1-based): chr12:57,751,027, C>G on the plus strand (G>C on the coding strand, the complement: CDK4 is on the minus strand). VCF-style: chr12-57751027-C-G. GRCh37 (hg19) VCF-style: chr12-58144810-C-G.
Other names: short protein forms D140H.
Identifiers: ClinVar variation 483312 (VCV000483312.6), dbSNP rs1555201308, ClinGen allele CA385546687.
Genomic context (GRCh38, chr12:57,751,027, plus strand): 5'-CAAAGTCAGCCAGCTTGACTGTTCCACCACTTGTCACCAGAATGTTCTCTGGCTTCAGAT[C>G]TCGGTGAACGATGCAATTGGCATGAAGGAAATCTAGGCCTCTTAGAAACTGGCGCATCAG-3'
Protein context (NP_000066.1, residues 130-150): FLHANCIVHR[Asp140His]LKPENILVTS

ClinVar aggregate classification (germline): Uncertain significance (1 of 4 stars; one submission).

Conditions:
Hereditary cancer-predisposing syndrome. Also called: Neoplastic Syndromes, Hereditary; Tumor predisposition; Hereditary Cancer Syndrome; Hereditary neoplastic syndrome. Identifiers: Orphanet 140162, MedGen C0027672, MeSH D009386, MONDO:0015356.

Submission:

Ambry Genetics
Classification: Uncertain significance for Hereditary cancer-predisposing syndrome. Last evaluated: 2024-12-16. Review status: criteria provided, single submitter. Criteria: Ambry Variant Classification Scheme 2023. Collection method: clinical testing. Allele origin: germline.
Comment: The p.D140H variant (also known as c.418G>C), located in coding exon 3 of the CDK4 gene, results from a G to C substitution at nucleotide position 418. The aspartic acid at codon 140 is replaced by histidine, an amino acid with similar properties. This amino acid position is highly conserved in available vertebrate species. In addition, this alteration is predicted to be deleterious by in silico analysis. Since supporting evidence is limited at this time, the clinical significance of this alteration remains unclear.